The following is an entry in ClinVar:

NM_000426.4(LAMA2):c.8231C>G (p.Pro2744Arg)

Gene: LAMA2 (laminin subunit alpha 2; plus strand). Cytogenetic location: 6q22.33.
Variant type: single nucleotide variant.
Coding change: c.8231C>G on transcript NM_000426.4 (MANE Select); coding-DNA position 8231, C replaced by G.
Protein change: p.Pro2744Arg; replaces proline 2744 with arginine.
Molecular consequence: missense variant.
Genome position (GRCh38, 1-based): chr6:129,492,470, C>G. VCF-style: chr6-129492470-C-G. GRCh37 (hg19) VCF-style: chr6-129813615-C-G.
Other names: c.8219C>G, p.Pro2740Arg (NM_001079823.2); short protein forms P2744R, P2740R.
Identifiers: ClinVar variation 477515 (VCV000477515.9), dbSNP rs1554310317, ClinGen allele CA365632446.

ClinVar aggregate classification (germline): Uncertain significance (1 of 4 stars; one submission).

Conditions:
LAMA2-related muscular dystrophy (LAMA2-RD). Also called: Laminin alpha 2-related dystrophy. Identifiers: MedGen C5679788, MONDO:0100228.

Submission:

Labcorp Genetics (formerly Invitae), Labcorp
Classification: Uncertain significance for LAMA2-related muscular dystrophy. Last evaluated: 2022-11-08. Review status: criteria provided, single submitter. Criteria: Invitae Variant Classification Sherloc (09022015). Collection method: clinical testing. Allele origin: germline.
Comment: In summary, the available evidence is currently insufficient to determine the role of this variant in disease. Therefore, it has been classified as a Variant of Uncertain Significance. Advanced modeling of protein sequence and biophysical properties (such as structural, functional, and spatial information, amino acid conservation, physicochemical variation, residue mobility, and thermodynamic stability) performed at Invitae indicates that this missense variant is not expected to disrupt LAMA2 protein function. This variant is not present in population databases (gnomAD no frequency). This sequence change replaces proline, which is neutral and non-polar, with arginine, which is basic and polar, at codon 2744 of the LAMA2 protein (p.Pro2744Arg). ClinVar contains an entry for this variant (Variation ID: 477515). This variant has not been reported in the literature in individuals affected with LAMA2-related conditions.